The following is an entry in ClinVar:

ClinVar aggregate classification (germline): Likely pathogenic (1 of 4 stars; one submission).

Conditions:
CHARGE syndrome (CHARGE). Also called: Coloboma, heart anomaly, choanal atresia, retardation, genital and ear anomalies; CHARGE association; Hall-Hittner syndrome; Hittner Hirsch Kreh syndrome; CHARGE ASSOCIATION--COLOBOMA, HEART ANOMALY, CHOANAL ATRESIA, RETARDATION, GENITAL AND EAR ANOMALIES. Identifiers: Orphanet 138, MedGen C0265354, MONDO:0008965.

Submission:

Genetics and Molecular Pathology, SA Pathology
Classification: Likely pathogenic for CHD7-related CHARGE syndrome. Last evaluated: 2021-11-11. Review status: criteria provided, single submitter. Criteria: ACMG Guidelines, 2015. Collection method: clinical testing. Allele origin: germline. Inheritance: Autosomal dominant inheritance. Affected: yes.
Comment: The CHD7 c.2990T>C variant is classified as a LIKELY PATHOGENIC variant (PS2, PM2, PP3) This variant is a single nucleotide change from a thymine to a cytosine at position 2990 which is predicted to change the Leucine at position 997 in the protein to a Serine. The variant has not been reported in dbSNP and is absent from population databases (PM2). The variant has not been reported in the ClinVar or HGMD. Computational predictions support a deleterious effect on the gene or gene product (PP3).

NM_017780.4(CHD7):c.2990T>C (p.Leu997Ser)

Gene: CHD7 (chromodomain helicase DNA binding protein 7; plus strand). Cytogenetic location: 8q12.2.
Variant type: single nucleotide variant.
Coding change: c.2990T>C on transcript NM_017780.4 (MANE Select); coding-DNA position 2990, T replaced by C.
Protein change: p.Leu997Ser; replaces leucine 997 with serine.
Molecular consequence: missense variant. On other transcripts: intron variant (1).
Genome position (GRCh38, 1-based): chr8:60,822,535, T>C. VCF-style: chr8-60822535-T-C. GRCh37 (hg19) VCF-style: chr8-61735094-T-C.
Other names: c.1717-39694T>C (NM_001316690.1); short protein forms L997S.
Identifiers: ClinVar variation 1698785 (VCV001698785.2), dbSNP rs2150750132, ClinGen allele CA371309098.
Genomic context (GRCh38, chr8:60,822,535, plus strand): 5'-ACTTTTGTACTTCATTTTCCTCCTAAAGGCGAAACTGCATTTTAGCAGATGAAATGGGTT[T>C]GGGAAAAACTATCCAGTCCATTACATTTCTCTATGAGATATATTTGAAAGGAATCCATGG-3'
Protein context (NP_060250.2, residues 987-1007): RNCILADEMG[Leu997Ser]GKTIQSITFL